The following is an entry in ClinVar:

ClinVar aggregate classification (germline): Uncertain significance. Review status: criteria provided, multiple submitters, no conflicts (2 of 4 stars). 3 submissions from 3 submitters: Uncertain significance (3). Last evaluated 2024-09-16.

Conditions:
Pancreatic adenocarcinoma. Identifiers: MedGen C0281361, MONDO:0006047, HP:0006725.
Pancreatic cancer, susceptibility to, 1. Identifiers: Orphanet 1333, MedGen C1847351, MONDO:0011739, OMIM 606856.

Allele frequency attached by ClinVar (database versions not stated): gnomAD 0.00001; ExAC 0.00002; gnomAD exomes 0.00002 and 0.00003; TOPMed 0.00003.
gnomAD v4.1: 50 of 1,609,588 alleles (0.0031%); highest among the groups gnomAD compares: Middle Eastern, 0.017%; no homozygotes.

Submissions (3):

Labcorp Genetics (formerly Invitae), Labcorp
Classification: Uncertain significance for Pancreatic adenocarcinoma. Last evaluated: 2024-09-16. Review status: criteria provided, single submitter. Criteria: Invitae Variant Classification Sherloc (09022015). Collection method: clinical testing. Allele origin: germline.
Comment: This sequence change replaces arginine, which is basic and polar, with histidine, which is basic and polar, at codon 465 of the PALLD protein (p.Arg465His). This variant is present in population databases (rs769973229, gnomAD 0.01%). This variant has not been reported in the literature in individuals affected with PALLD-related conditions. ClinVar contains an entry for this variant (Variation ID: 664520). An algorithm developed to predict the effect of missense changes on protein structure and function (PolyPhen-2) suggests that this variant is likely to be disruptive. In summary, the available evidence is currently insufficient to determine the role of this variant in disease. Therefore, it has been classified as a Variant of Uncertain Significance.

Fulgent Genetics
Classification: Uncertain significance for Pancreatic cancer, susceptibility to, 1. Last evaluated: 2024-03-28. Review status: criteria provided, single submitter. Criteria: ACMG Guidelines, 2015. Collection method: clinical testing. Allele origin: germline.

Ambry Genetics
Classification: Uncertain significance. Last evaluated: 2022-09-16. Review status: criteria provided, single submitter. Criteria: Ambry Variant Classification Scheme 2023. Collection method: clinical testing. Allele origin: germline.
Comment: The p.R952H variant (also known as c.2855G>A), located in coding exon 16 of the PALLD gene, results from a G to A substitution at nucleotide position 2855. The arginine at codon 952 is replaced by histidine, an amino acid with highly similar properties. This amino acid position is conserved. In addition, the in silico prediction for this alteration is inconclusive. Since supporting evidence is limited at this time, the clinical significance of this alteration remains unclear.

NM_001166108.2(PALLD):c.2906G>A (p.Arg969His)

Genes: PALLD (palladin, cytoskeletal associated protein; plus strand), CBR4 (carbonyl reductase 4; minus strand). Cytogenetic location: 4q32.3.
Variant type: single nucleotide variant.
Coding change: c.2906G>A on transcript NM_001166108.2 (MANE Select); coding-DNA position 2906, G replaced by A.
Protein change: p.Arg969His; replaces arginine 969 with histidine.
Molecular consequence: missense variant.
Genome position (GRCh38, 1-based): chr4:168,921,589, G>A. VCF-style: chr4-168921589-G-A. GRCh37 (hg19) VCF-style: chr4-169842740-G-A.
Other names: c.1709G>A, p.Arg570His (NM_001166109.2); c.1394G>A, p.Arg465His (NM_001166110.2); c.734G>A, p.Arg245His (NM_001367567.1, NM_001367569.1); c.785G>A, p.Arg262His (NM_001367568.1, NM_001367570.1); c.2855G>A, p.Arg952His (NM_016081.4); short protein forms R262H, R570H, R952H, R245H, R465H, R969H.
Identifiers: ClinVar variation 664520 (VCV000664520.14), dbSNP rs769973229, ClinGen allele CA3135990.